The following is an entry in ClinVar:

NM_001291303.3(FAT4):c.12646C>T (p.Arg4216Cys)

Gene: FAT4 (FAT atypical cadherin 4; plus strand). Cytogenetic location: 4q28.1.
Variant type: single nucleotide variant.
Coding change: c.12646C>T on transcript NM_001291303.3 (MANE Select); coding-DNA position 12646, C replaced by T.
Protein change: p.Arg4216Cys; replaces arginine 4216 with cysteine.
Molecular consequence: missense variant.
Genome position (GRCh38, 1-based): chr4:125,481,562, C>T. VCF-style: chr4-125481562-C-T. GRCh37 (hg19) VCF-style: chr4-126402717-C-T.
Other names: c.12646C>T, p.Arg4216Cys (NM_001291285.3); c.12640C>T, p.Arg4214Cys (NM_024582.6); short protein forms R4214C, R4216C.
Identifiers: ClinVar variation 1918454 (VCV001918454.3), dbSNP rs769772147, ClinGen allele CA3074163.

ClinVar aggregate classification (germline): Uncertain significance (1 of 4 stars; one submission).

Allele frequency attached by ClinVar (database versions not stated): ExAC 0.00001; gnomAD 0.00001; TOPMed 0.00001; gnomAD exomes 0.00003.
gnomAD v4.1: 41 of 1,613,884 alleles (0.0025%); highest among the groups gnomAD compares: Non-Finnish European, 0.0033%; no homozygotes.

Submission:

Labcorp Genetics (formerly Invitae), Labcorp
Classification: Uncertain significance. Last evaluated: 2022-07-22. Review status: criteria provided, single submitter. Criteria: Invitae Variant Classification Sherloc (09022015). Collection method: clinical testing. Allele origin: germline.
Comment: This sequence change replaces arginine, which is basic and polar, with cysteine, which is neutral and slightly polar, at codon 4214 of the FAT4 protein (p.Arg4214Cys). This variant is present in population databases (rs769772147, gnomAD 0.0009%). This variant has not been reported in the literature in individuals affected with FAT4-related conditions. Advanced modeling of protein sequence and biophysical properties (such as structural, functional, and spatial information, amino acid conservation, physicochemical variation, residue mobility, and thermodynamic stability) performed at Invitae indicates that this missense variant is not expected to disrupt FAT4 protein function. In summary, the available evidence is currently insufficient to determine the role of this variant in disease. Therefore, it has been classified as a Variant of Uncertain Significance.